The following is an entry in ClinVar:

ClinVar aggregate classification (germline): Uncertain significance (1 of 4 stars; one submission).

gnomAD v4.1: 8 of 1,613,272 alleles (0.0005%); highest among the groups gnomAD compares: Non-Finnish European, 0.00068%; no homozygotes.

Submission:

Labcorp Genetics (formerly Invitae), Labcorp
Classification: Uncertain significance. Last evaluated: 2025-09-20. Review status: criteria provided, single submitter. Criteria: Invitae Variant Classification Sherloc (09022015). Collection method: clinical testing. Allele origin: germline.
Comment: This sequence change replaces phenylalanine, which is neutral and non-polar, with leucine, which is neutral and non-polar, at codon 495 of the MAP3K20 protein (p.Phe495Leu). This variant is present in population databases (no rsID available, gnomAD 0.0009%). This variant has not been reported in the literature in individuals affected with MAP3K20-related conditions. Invitae Evidence Modeling of protein sequence and biophysical properties (such as structural, functional, and spatial information, amino acid conservation, physicochemical variation, residue mobility, and thermodynamic stability) indicates that this missense variant is not expected to disrupt MAP3K20 protein function with a negative predictive value of 95%. In summary, the available evidence is currently insufficient to determine the role of this variant in disease. Therefore, it has been classified as a Variant of Uncertain Significance.

NM_016653.3(MAP3K20):c.1483T>C (p.Phe495Leu)

Genes: MAP3K20 (mitogen-activated protein kinase kinase kinase 20; plus strand), MAP3K20-AS1 (MAP3K20 antisense RNA 1; minus strand). Cytogenetic location: 2q31.1.
Variant type: single nucleotide variant.
Coding change: c.1483T>C on transcript NM_016653.3 (MANE Select); coding-DNA position 1483, T replaced by C.
Protein change: p.Phe495Leu; replaces phenylalanine 495 with leucine.
Molecular consequence: missense variant.
Genome position (GRCh38, 1-based): chr2:173,261,069, T>C. VCF-style: chr2-173261069-T-C. GRCh37 (hg19) VCF-style: chr2-174125797-T-C.
Other names: short protein forms F495L.
Identifiers: ClinVar variation 4696153 (VCV004696153.1).